The following is an entry in ClinVar:

ClinVar aggregate classification (germline): Pathogenic/Likely pathogenic. Review status: criteria provided, multiple submitters, no conflicts (2 of 4 stars). 4 submissions from 4 submitters: Pathogenic (2); Likely pathogenic (2). Last evaluated 2025-04-21.

Conditions:
Ehlers-Danlos syndrome, type 4 (EDSVASC). Also called: Ehlers-Danlos syndrome vascular type; Ehlers Danlos syndrome, ecchymotic type; Ehlers Danlos syndrome, arterial type; Ehlers Danlos syndrome, Sack-Barabas type; Ehlers-Danlos Syndrome Type IV. Identifiers: Orphanet 286, MedGen C0268338, MONDO:0017314, OMIM 130050.
Familial thoracic aortic aneurysm and aortic dissection (TAAD). Also called: Thoracic aortic aneurysms and dissections. Identifiers: Orphanet 91387, MedGen C4707243, MONDO:0019625.

Allele frequency attached by ClinVar (database versions not stated): gnomAD exomes below 0.00001.
gnomAD v4.1: 1 of 1,594,976 alleles (0.000063%); highest among the groups gnomAD compares: Non-Finnish European, 0.000085%; no homozygotes.

Submissions (4):

Mayo Clinic Laboratories, Mayo Clinic
Classification: Pathogenic. Last evaluated: 2025-04-21. Review status: criteria provided, single submitter. Criteria: ACMG Guidelines, 2015. Collection method: clinical testing. Allele origin: germline. Observed: 1 variant allele.
Comment: PP2, PP3_strong, PM1_strong, PM2_supporting

Labcorp Genetics (formerly Invitae), Labcorp
Classification: Pathogenic for Ehlers-Danlos syndrome, type 4. Last evaluated: 2024-07-04. Review status: criteria provided, single submitter. Criteria: Invitae Variant Classification Sherloc (09022015). Collection method: clinical testing. Allele origin: germline.
Comment: This sequence change replaces glycine, which is neutral and non-polar, with cysteine, which is neutral and slightly polar, at codon 744 of the COL3A1 protein (p.Gly744Cys). This variant is not present in population databases (gnomAD no frequency). This variant has not been reported in the literature in individuals affected with COL3A1-related conditions. ClinVar contains an entry for this variant (Variation ID: 1788109). Experimental studies and prediction algorithms are not available or were not evaluated, and the functional significance of this variant is currently unknown. This variant disrupts the triple helix domain of COL3A1. Glycine residues within the Gly-Xaa-Yaa repeats of the triple helix domain are required for the structure and stability of fibrillar collagens (PMID: 7695699, 8218237, 19344236). In COL3A1, variants that affect these glycine residues are significantly enriched in individuals with disease (PMID: 24922459, 25758994) compared to the general population (ExAC). This variant disrupts the p.Gly744 amino acid residue in COL3A1. Other variant(s) that disrupt this residue have been observed in individuals with COL3A1-related conditions (PMID: 25758994; Invitae), which suggests that this may be a clinically significant amino acid residue. For these reasons, this variant has been classified as Pathogenic.

Ambry Genetics
Classification: Likely pathogenic for Familial thoracic aortic aneurysm and aortic dissection. Last evaluated: 2024-04-24. Review status: criteria provided, single submitter. Criteria: Ambry Variant Classification Scheme 2023. Collection method: clinical testing. Allele origin: germline.
Comment: The p.G744C variant (also known as c.2230G>T) is located in coding exon 32 of the COL3A1 gene. The glycine at codon 744 is replaced by cysteine, an amino acid with highly dissimilar properties. This change occurs in the first base pair of coding exon 32. The majority (approximately two-thirds) of COL3A1 mutations identified to date have involved the substitution of another amino acid for glycine within the triple-helical domain (Pepin MG et al. Genet Med. 2014;16(12):881-8; Frank M et al. Eur J Hum Genet. 2015;23(12):1657-64). Internal structural analysis indicates that this alteration disrupts the characteristic G-X-Y motif in the COL3A1 protein and inserts a bulky side chain into a sterically-constrained region (Bella J et al. Science. 1994;266:75-81; Hohenester E et al. Proc. Natl. Acad. Sci. U.S.A. 2008;105:18273-7; Ambry internal data). This variant has been observed in at least one individual with a personal and/or family history that is consistent with COL3A1-related Ehlers Danlos syndrome (Ambry internal data). This amino acid position is highly conserved in available vertebrate species. In addition, this alteration is predicted to be deleterious by in silico analysis. This variant is considered to be rare based on population cohorts in the Genome Aggregation Database (gnomAD). Based on the majority of available evidence to date, this variant is likely to be pathogenic.

CHEO Genetics Diagnostic Laboratory, Children's Hospital of Eastern Ontario
Classification: Likely pathogenic for Familial thoracic aortic aneurysm and aortic dissection. Last evaluated: 2023-06-14. Review status: criteria provided, single submitter. Criteria: ACMG Guidelines, 2015. Collection method: clinical testing. Allele origin: germline.

Literature cited by the submitters: PubMed 10706896 (cited by Mayo Clinic Laboratories, Mayo Clinic); PubMed 25758994 (cited by Mayo Clinic Laboratories, Mayo Clinic and Labcorp Genetics (formerly Invitae), Labcorp); PubMed 7695699 (cited by Labcorp Genetics (formerly Invitae), Labcorp); PubMed 8218237 (cited by Labcorp Genetics (formerly Invitae), Labcorp); PubMed 19344236 (cited by Labcorp Genetics (formerly Invitae), Labcorp); PubMed 24922459 (cited by Labcorp Genetics (formerly Invitae), Labcorp).

NM_000090.4(COL3A1):c.2230G>T (p.Gly744Cys)

Gene: COL3A1 (collagen type III alpha 1 chain; plus strand). Cytogenetic location: 2q32.2.
Variant type: single nucleotide variant.
Coding change: c.2230G>T on transcript NM_000090.4 (MANE Select); coding-DNA position 2230, G replaced by T.
Protein change: p.Gly744Cys; replaces glycine 744 with cysteine.
Molecular consequence: missense variant.
Genome position (GRCh38, 1-based): chr2:188,999,842, G>T. VCF-style: chr2-188999842-G-T. GRCh37 (hg19) VCF-style: chr2-189864568-G-T.
Other names: p.Gly744Cys; short protein forms G744C.
Identifiers: ClinVar variation 1788109 (VCV001788109.8), dbSNP rs2153503061, ClinGen allele CA349841106.
Genomic context (GRCh38, chr2:188,999,842, plus strand): 5'-TCTTGGCTGATTTTCACTGAAGATACTTTGAATCTGATGACATTGGCTTTTATTTGACAG[G>T]GTGAACCAGGCGGTCCAGGTGCTGATGGTGTCCCAGGGAAAGATGGCCCAAGGGTGAGTA-3'
Protein context (NP_000081.2, residues 734-754): LGSPGPKGDK[Gly744Cys]EPGGPGADGV